The following is an entry in ClinVar:

NM_000179.3(MSH6):c.187T>C (p.Ser63Pro)

Gene: MSH6 (mutS homolog 6; plus strand). Cytogenetic location: 2p16.3.
Variant type: single nucleotide variant.
Coding change: c.187T>C on transcript NM_000179.3 (MANE Select); coding-DNA position 187, T replaced by C.
Protein change: p.Ser63Pro; replaces serine 63 with proline.
Molecular consequence: missense variant. On other transcripts: 5 prime UTR variant (1).
Genome position (GRCh38, 1-based): chr2:47,783,420, T>C. VCF-style: chr2-47783420-T-C. GRCh37 (hg19) VCF-style: chr2-48010559-T-C.
Other names: c.187T>C, p.Ser63Pro (NM_001281492.2); c.-550T>C (NM_001281493.2); short protein forms S63P.
Identifiers: ClinVar variation 220796 (VCV000220796.38), dbSNP rs763702846, ClinGen allele CA068241.

ClinVar aggregate classification (germline): Conflicting classifications of pathogenicity. Review status: criteria provided, conflicting classifications (1 of 4 stars). 12 submissions from 12 submitters: Uncertain significance (4); Benign (1); Likely benign (6). 1 of the submissions does not count toward it. Last evaluated 2026-08-06.

Conditions:
MSH6-related disorder. Also called: MSH6-related condition; MSH6-Related disorders.
Hereditary nonpolyposis colorectal neoplasms. Identifiers: MedGen C0009405, MeSH D003123.
Hereditary cancer-predisposing syndrome. Also called: Neoplastic Syndromes, Hereditary; Tumor predisposition; Hereditary Cancer Syndrome; Hereditary neoplastic syndrome. Identifiers: Orphanet 140162, MedGen C0027672, MeSH D009386, MONDO:0015356.
Lynch syndrome 5 (LYNCH5). Also called: Colorectal cancer, hereditary nonpolyposis, type 5; Hereditary non-polyposis colorectal cancer, type 5. Identifiers: Orphanet 144, MedGen C1833477, MONDO:0013710, OMIM 614350. Disease mechanism: loss of function.
Mismatch repair cancer syndrome 1 (MMRCS1). Also called: BRAIN TUMOR-POLYPOSIS SYNDROME 1; BTP1 SYNDROME; CHILDHOOD CANCER SYNDROME; MISMATCH REPAIR DEFICIENCY; MMR DEFICIENCY. Identifiers: Orphanet 252202, MedGen C5399763, MONDO:0010159, OMIM 276300. Disease mechanism: loss of function.
Endometrial carcinoma. Also called: Endometrial carcinoma, somatic. Identifiers: MedGen C0476089, MONDO:0002447, OMIM 608089, HP:0012114.

Allele frequency attached by ClinVar (database versions not stated): ExAC below 0.00001; gnomAD 0.00013; TOPMed 0.00018; 1000 Genomes Project 30x 0.00031.
gnomAD v4.1: 52 of 1,510,744 alleles (0.0034%); highest among the groups gnomAD compares: African/African-American, 0.072%; no homozygotes.

Submissions (12):

PreventionGenetics, part of Exact Sciences
Classification: Likely benign for MSH6-related condition. Last evaluated: 2026-08-06. Review status: criteria provided, single submitter. Criteria: ACMG Guidelines, 2015. Collection method: clinical testing. Allele origin: germline.
Comment: This variant is classified as likely benign based on ACMG/AMP sequence variant interpretation guidelines (Richards et al. 2015 PMID: 25741868, with internal and published modifications).

Labcorp Genetics (formerly Invitae), Labcorp
Classification: Likely benign for Hereditary nonpolyposis colorectal neoplasms. Last evaluated: 2026-02-02. Review status: criteria provided, single submitter. Criteria: Invitae Variant Classification Sherloc (09022015). Collection method: clinical testing. Allele origin: germline.

Women's Health and Genetics/Laboratory Corporation of America, LabCorp
Classification: Likely benign. Last evaluated: 2025-09-03. Review status: criteria provided, single submitter. Criteria: LabCorp Variant Classification Summary - May 2015. Collection method: clinical testing. Allele origin: germline.
Comment: Variant summary: MSH6 c.187T>C (p.Ser63Pro) results in a non-conservative amino acid change in the encoded protein sequence. Algorithms developed to predict the effect of missense changes on protein structure and function are either unavailable or do not agree on the potential impact of this missense change. The variant allele was found at a frequency of 3.4e-05 in 1510744 control chromosomes, predominantly at a frequency of 0.00072 within the African or African-American subpopulation in the gnomAD database. The observed variant frequency within African or African-American control individuals in the gnomAD database exceeds the estimated maximal expected allele frequency for disease-causing variants in MSH6. c.187T>C has been reported in the literature in an individual affected with breast cancer without strong evidence of causality (Hu_2022). This report does not provide unequivocal conclusions about association of the variant with Hereditary Nonpolyposis Colorectal Cancer. Co-occurrence with another pathogenic variant has been reported (CHEK2 c.1100delC, p.Thr367MetfsX15), providing supporting evidence for a benign role. To our knowledge, no experimental evidence demonstrating an impact on protein function has been reported. The following publications have been ascertained in the context of this evaluation (PMID: 31391288, 35449176). ClinVar contains an entry for this variant (Variation ID: 220796). Based on the evidence outlined above, the variant was classified as likely benign.

Myriad Genetics, Inc.
Classification: Likely benign for Lynch syndrome 5. Last evaluated: 2024-12-17. Review status: criteria provided, single submitter. Criteria: Myriad Autosomal Dominant, Autosomal Recessive and X-Linked Classification Criteria (2023). Collection method: clinical testing. Allele origin: unknown.
Comment: This variant is considered likely benign. This variant is strongly associated with less severe personal and family histories of cancer, typical for individuals without pathogenic variants in this gene [PMID: 27363726].

Quest Diagnostics Nichols Institute San Juan Capistrano
Classification: Likely benign. Last evaluated: 2024-10-25. Review status: criteria provided, single submitter. Criteria: Quest Diagnostics criteria. Collection method: clinical testing. Allele origin: unknown.

Color Diagnostics, LLC DBA Color Health
Classification: Benign for Hereditary cancer-predisposing syndrome. Last evaluated: 2024-10-10. Review status: criteria provided, single submitter. Criteria: ACMG Guidelines, 2015. Collection method: clinical testing. Allele origin: germline.

Baylor Genetics
Classification: Uncertain significance for Endometrial carcinoma. Last evaluated: 2024-03-29. Review status: criteria provided, single submitter. Criteria: ACMG Guidelines, 2015. Collection method: clinical testing. Allele origin: unknown.

Ambry Genetics
Classification: Likely benign for Hereditary cancer-predisposing syndrome. Last evaluated: 2022-11-15. Review status: criteria provided, single submitter. Criteria: Ambry Variant Classification Scheme 2023. Collection method: clinical testing. Allele origin: germline.

Sema4
Classification: Uncertain significance for Hereditary cancer-predisposing syndrome. Last evaluated: 2021-11-12. Review status: criteria provided, single submitter. Criteria: Sema4 Curation Guidelines. Collection method: curation. Allele origin: germline.
Comment: The MSH6 c.187T>C (p.S63P) variant has been reported in heterozygosity in at least two individuals with Lynch syndrome-related cancer and in at least one indiviudal with renal cell carcinoma (PMID: 31391288, 29684080). It has also been reported in healthy controls in a pancreatic study (PMID: 32980694). This variant was observed in 5/12882 chromosomes in the African population according to the Genome Aggregation Database (PMID: 32461654). This variant has been reported in ClinVar (Variation ID: 220796). Functional studies have not been performed, and in silico predictions of the variant's effect on protein function are inconclusive. Based on the current evidence available, this variant is interpreted as a variant of uncertain significance.

Fulgent Genetics
Classification: Uncertain significance for Mismatch repair cancer syndrome 1; Endometrial carcinoma; Lynch syndrome 5. Last evaluated: 2018-10-31. Review status: criteria provided, single submitter. Criteria: ACMG Guidelines, 2015. Collection method: clinical testing. Allele origin: unknown.

GeneDx
Classification: Uncertain significance. Last evaluated: 2018-03-13. Review status: criteria provided, single submitter. Criteria: GeneDx Variant Classification (06012015). Collection method: clinical testing. Allele origin: germline. Affected: yes.
Comment: This variant is denoted MSH6 c.187T>C at the cDNA level, p.Ser63Pro (S63P) at the protein level, and results in the change of a Serine to a Proline (TCC>CCC). This variant has not, to our knowledge, been published in the literature as pathogenic or benign. MSH6 Ser63Pro was observed at an allele frequency of 0.05% (4/8,676) in individuals of African ancestry in large population cohorts (Lek 2016). This variant is not located in a known functional domain. In silico analysis, which includes protein predictors and evolutionary conservation, supports that this variant does not alter protein structure/function. Based on currently available evidence, it is unclear whether MSH6 Ser63Pro is a pathogenic or benign variant. We consider it to be a variant of uncertain significance.

Counsyl
Classification: Uncertain significance for Lynch syndrome 5. Last evaluated: 2018-04-16. Review status: no assertion criteria provided. Collection method: clinical testing. Allele origin: unknown. Not counted in ClinVar's aggregate classification.

Literature cited by the submitters: PubMed 31391288 (cited by 3 submitters); PubMed 35449176 (cited by Women's Health and Genetics/Laboratory Corporation of America, LabCorp and Quest Diagnostics Nichols Institute San Juan Capistrano); PubMed 27363726 (cited by Myriad Genetics, Inc.); PubMed 36243179 (cited by Quest Diagnostics Nichols Institute San Juan Capistrano); PubMed 29684080 (cited by Quest Diagnostics Nichols Institute San Juan Capistrano and Sema4); PubMed 32832836 (cited by Quest Diagnostics Nichols Institute San Juan Capistrano and Ambry Genetics); PubMed 32980694 (cited by Quest Diagnostics Nichols Institute San Juan Capistrano and Sema4).